The following is an entry in ClinVar:

NM_000368.5(TSC1):c.999A>G (p.Pro333=)

Gene: TSC1 (TSC complex subunit 1; minus strand). Cytogenetic location: 9q34.13.
Variant type: single nucleotide variant.
Coding change: c.999A>G on transcript NM_000368.5 (MANE Select); coding-DNA position 999, A replaced by G.
Protein change: p.Pro333=; no amino-acid change (proline 333 retained).
Molecular consequence: synonymous variant.
Genome position (GRCh38, 1-based): chr9:132,911,483, T>C on the plus strand (A>G on the coding strand, the complement: TSC1 is on the minus strand). VCF-style: chr9-132911483-T-C. GRCh37 (hg19) VCF-style: chr9-135786870-T-C.
Other names: c.999A>G, p.Pro333= (NM_001162426.2); c.846A>G, p.Pro282= (NM_001162427.2); c.636A>G, p.Pro212= (NM_001362177.2).
Identifiers: ClinVar variation 753538 (VCV000753538.10), dbSNP rs1192409248, ClinGen allele CA467593452.

ClinVar aggregate classification (germline): Benign/Likely benign. Review status: criteria provided, multiple submitters, no conflicts (2 of 4 stars). 2 submissions from 2 submitters: Benign (1); Likely benign (1). Last evaluated 2025-04-09.

Conditions:
Tuberous sclerosis 1 (TSC1). Identifiers: Orphanet 805, MedGen C1854465, MONDO:0008612, OMIM 191100.

Allele frequency attached by ClinVar (database versions not stated): gnomAD exomes below 0.00001.
gnomAD v4.1: 2 of 1,613,770 alleles (0.00012%); highest among the groups gnomAD compares: Non-Finnish European, 0.00017%; no homozygotes.

Submissions (2):

Myriad Genetics, Inc.
Classification: Benign for Tuberous sclerosis 1. Last evaluated: 2025-04-09. Review status: criteria provided, single submitter. Criteria: Myriad Autosomal Dominant, Autosomal Recessive and X-Linked Classification Criteria (2023). Collection method: clinical testing. Allele origin: unknown.
Comment: This variant is considered benign. This variant is a silent/synonymous amino acid change and it is not expected to impact splicing.

Labcorp Genetics (formerly Invitae), Labcorp
Classification: Likely benign for Tuberous sclerosis 1. Last evaluated: 2024-06-07. Review status: criteria provided, single submitter. Criteria: Invitae Variant Classification Sherloc (09022015). Collection method: clinical testing. Allele origin: germline.